The following is an entry in ClinVar:

NM_016354.4(SLCO4A1):c.1374C>T (p.Cys458=)

Genes: SLCO4A1 (solute carrier organic anion transporter family member 4A1; plus strand), SLCO4A1-AS1 (SLCO4A1 antisense RNA 1; minus strand). Cytogenetic location: 20q13.33.
Variant type: single nucleotide variant.
Coding change: c.1374C>T on transcript NM_016354.4 (MANE Select); coding-DNA position 1374, C replaced by T.
Protein change: p.Cys458=; no amino-acid change (cysteine 458 retained).
Molecular consequence: synonymous variant. On other transcripts: non-coding transcript variant (1).
Genome position (GRCh38, 1-based): chr20:62,666,477, C>T. VCF-style: chr20-62666477-C-T. GRCh37 (hg19) VCF-style: chr20-61297829-C-T.
Identifiers: ClinVar variation 4681918 (VCV004681918.5).
Genomic context (GRCh38, chr20:62,666,477, plus strand): 5'-CCTGGGCGGCTTCTTTGTGAACAAGCTCAGGCTCCGGGGCTCCGCGGTCATCAAGTTCTG[C>T]CTGTTCTGCACCGTTGTCAGCCTGCTGGGCATCCTCGTCTTCTCACTGCACTGCCCCAGT-3'
Protein context (NP_057438.3, residues 448-468): RLRGSAVIKF[Cys458=]LFCTVVSLLG

ClinVar aggregate classification (germline): Likely benign (1 of 4 stars; one submission).

Submission:

CeGaT Center for Human Genetics Tuebingen
Classification: Likely benign. Last evaluated: 2025-12-01. Review status: criteria provided, single submitter. Criteria: CeGaT Center For Human Genetics Tuebingen Variant Classification Criteria Version 2. Collection method: clinical testing. Allele origin: germline. Affected: yes. Observed: 1 variant allele.
Comment: SLCO4A1: PM2:Supporting, BP4, BP7